The following is an entry in ClinVar:

ClinVar aggregate classification (germline): Uncertain significance (1 of 4 stars; one submission).

Conditions:
RPGRIP1L-related disorder. Also called: RPGRIP1L-related disorders; RPGRIP1L-related condition. Identifiers: MedGen CN239416.

Submission:

PreventionGenetics, part of Exact Sciences
Classification: Uncertain significance for RPGRIP1L-related condition. Last evaluated: 2025-01-06. Review status: criteria provided, single submitter. Criteria: ACMG Guidelines, 2015. Collection method: clinical testing. Allele origin: germline.
Comment: The RPGRIP1L c.663G>C variant is predicted to result in the amino acid substitution p.Gln221His. To our knowledge, this variant has not been reported in the literature or in a large population database (gnomAD), indicating this variant is rare. At this time, the clinical significance of this variant is uncertain due to the absence of conclusive functional and genetic evidence.

NM_015272.5(RPGRIP1L):c.663G>C (p.Gln221His)

Gene: RPGRIP1L (RPGRIP1 like; minus strand). Cytogenetic location: 16q12.2.
Variant type: single nucleotide variant.
Coding change: c.663G>C on transcript NM_015272.5 (MANE Select); coding-DNA position 663, G replaced by C.
Protein change: p.Gln221His; replaces glutamine 221 with histidine.
Molecular consequence: missense variant.
Genome position (GRCh38, 1-based): chr16:53,686,546, C>G on the plus strand (G>C on the coding strand, the complement: RPGRIP1L is on the minus strand). VCF-style: chr16-53686546-C-G. GRCh37 (hg19) VCF-style: chr16-53720458-C-G.
Other names: c.663G>C, p.Gln221His (NM_001127897.4, NM_001308334.3, NM_001330538.2); short protein forms Q221H.
Identifiers: ClinVar variation 4996863 (VCV004996863.1).